The following is an entry in ClinVar:

ClinVar aggregate classification (germline): Conflicting classifications of pathogenicity. Review status: criteria provided, conflicting classifications (1 of 4 stars). 5 submissions from 5 submitters: Uncertain significance (3); Likely benign (2). Last evaluated 2026-01-19.

Conditions:
Autoinflammatory syndrome. Identifiers: Orphanet 93665, MedGen C3890737, MONDO:0019751.
Lysinuric protein intolerance (LPI). Identifiers: Orphanet 470, MedGen C0268647, MONDO:0009109, OMIM 222700.

Allele frequency attached by ClinVar (database versions not stated): gnomAD below 0.00001 and 0.00006; TOPMed 0.00003; gnomAD exomes 0.00015 and 0.00033; ExAC 0.00033; 1000 Genomes Project 0.00040; 1000 Genomes Project 30x 0.00047.
gnomAD v4.1: 229 of 1,612,026 alleles (0.014%); highest among the groups gnomAD compares: South Asian, 0.22%; 1 homozygote.

Submissions (5):

Labcorp Genetics (formerly Invitae), Labcorp
Classification: Likely benign for Lysinuric protein intolerance. Last evaluated: 2026-01-19. Review status: criteria provided, single submitter. Criteria: Invitae Variant Classification Sherloc (09022015). Collection method: clinical testing. Allele origin: germline.

Women's Health and Genetics/Laboratory Corporation of America, LabCorp
Classification: Uncertain significance. Last evaluated: 2025-02-19. Review status: criteria provided, single submitter. Criteria: LabCorp Variant Classification Summary - May 2015. Collection method: clinical testing. Allele origin: germline.
Comment: Variant summary: SLC7A7 c.1095+6T>C alters a conserved nucleotide located close to a canonical splice site and therefore could affect mRNA splicing, leading to a significantly altered protein sequence. Consensus agreement among computation tools predict no significant impact on normal splicing. However, these predictions have yet to be confirmed by functional studies. The variant allele was found at a frequency of 0.00033 in 251294 control chromosomes. This frequency is not significantly higher than estimated for a pathogenic variant in SLC7A7 causing Lysinuric Protein Intolerance (0.00033 vs 0.0011), allowing no conclusion about variant significance. c.1095+6T>C has been reported in the literature in at least one individual affected with atypical Lysinuric Protein Intolerance who carried second variant c.931A>G, phase unknown (e.g. Lokuhewage_BMCP_2023). These report(s) do not provide unequivocal conclusions about association of the variant with Lysinuric Protein Intolerance. To our knowledge, no experimental evidence demonstrating an impact on protein function has been reported. The following publication has been ascertained in the context of this evaluation (PMID: 37528333). ClinVar contains an entry for this variant (Variation ID: 312817). Based on the evidence outlined above, the variant was classified as uncertain significance.

Genome Diagnostics Laboratory, The Hospital for Sick Children
Classification: Uncertain significance for Autoinflammatory syndrome. Last evaluated: 2021-11-17. Review status: criteria provided, single submitter. Criteria: ACMG Guidelines, 2015. Collection method: clinical testing. Allele origin: germline. Affected: yes.

Genome-Nilou Lab
Classification: Likely benign for Lysinuric protein intolerance. Last evaluated: 2021-11-07. Review status: criteria provided, single submitter. Criteria: ACMG Guidelines, 2015. Collection method: clinical testing. Allele origin: germline. Affected: no.

Illumina Laboratory Services, Illumina
Classification: Uncertain significance for Lysinuric protein intolerance. Last evaluated: 2018-01-12. Review status: criteria provided, single submitter. Criteria: ICSL Variant Classification Criteria 13 December 2019. Collection method: clinical testing. Allele origin: germline.

Literature cited by the submitters: PubMed 37528333 (cited by Women's Health and Genetics/Laboratory Corporation of America, LabCorp).

NM_003982.4(SLC7A7):c.1095+6T>C

Gene: SLC7A7 (solute carrier family 7 member 7; minus strand). Cytogenetic location: 14q11.2.
Variant type: single nucleotide variant.
Coding change: c.1095+6T>C on transcript NM_003982.4 (MANE Select); 6 bases into the intron after coding-DNA position 1095, T replaced by C.
Molecular consequence: intron variant.
Genome position (GRCh38, 1-based): chr14:22,775,438, A>G on the plus strand (T>C on the coding strand, the complement: SLC7A7 is on the minus strand). VCF-style: chr14-22775438-A-G. GRCh37 (hg19) VCF-style: chr14-23244647-A-G.
Other names: c.1095+6T>C (NM_001126106.4, NM_001126105.3).
Identifiers: ClinVar variation 312817 (VCV000312817.22), dbSNP rs531862402, ClinGen allele CA7104494.